The following is an entry in ClinVar:

NM_001194.4(HCN2):c.413C>T (p.Pro138Leu)

Gene: HCN2 (hyperpolarization activated cyclic nucleotide gated potassium and sodium channel 2; plus strand). Cytogenetic location: 19p13.3.
Variant type: single nucleotide variant.
Coding change: c.413C>T on transcript NM_001194.4 (MANE Select); coding-DNA position 413, C replaced by T.
Protein change: p.Pro138Leu; replaces proline 138 with leucine.
Molecular consequence: missense variant.
Genome position (GRCh38, 1-based): chr19:590,358, C>T. VCF-style: chr19-590358-C-T. GRCh37 (hg19) VCF-style: chr19-590358-C-T.
Other names: short protein forms P138L.
Identifiers: ClinVar variation 3381515 (VCV003381515.1).

ClinVar aggregate classification (germline): Uncertain significance (1 of 4 stars; one submission).

Submission:

GeneDx
Classification: Uncertain significance. Last evaluated: 2024-05-20. Review status: criteria provided, single submitter. Criteria: GeneDx Variant Classification Process June 2021. Collection method: clinical testing. Allele origin: germline. Affected: yes.
Comment: Not observed at significant frequency in large population cohorts (gnomAD); In silico analysis indicates that this missense variant does not alter protein structure/function; Has not been previously published as pathogenic or benign to our knowledge